The following is an entry in ClinVar:

NM_001363711.2(DUOX2):c.1848T>A (p.Ser616=)

Gene: DUOX2 (dual oxidase 2; minus strand). Cytogenetic location: 15q21.1.
Variant type: single nucleotide variant.
Coding change: c.1848T>A on transcript NM_001363711.2 (MANE Select); coding-DNA position 1848, T replaced by A.
Protein change: p.Ser616=; no amino-acid change (serine 616 retained).
Molecular consequence: synonymous variant.
Genome position (GRCh38, 1-based): chr15:45,106,625, A>T on the plus strand (T>A on the coding strand, the complement: DUOX2 is on the minus strand). VCF-style: chr15-45106625-A-T. GRCh37 (hg19) VCF-style: chr15-45398823-A-T.
Other names: c.1848T>A, p.Ser616= (NM_014080.5).
Identifiers: ClinVar variation 1521092 (VCV001521092.4), dbSNP rs147838135, ClinGen allele CA7538472.
Genomic context (GRCh38, chr15:45,106,625, plus strand): 5'-CTCTTTGAGTTTCTTTTGTAGCTTCTTGTGTTCTCGGCCCCGGAAATAGGCCACCACTCC[A>T]GAGAGAAGCAGACTCACTGAAGTGGATCAGAAGGAACAGTGAGGAGGGAGCCCCTCACCT-3'
Protein context (NP_001350640.1, residues 606-626): CCLPLVSLLL[Ser616=]GVVAYFRGRE

ClinVar aggregate classification (germline): Uncertain significance (1 of 4 stars; one submission).

Allele frequency attached by ClinVar (database versions not stated): ExAC 0.00005; gnomAD 0.00007 and 0.00008; gnomAD exomes 0.00007 and 0.00011; ESP Exome Variant Server 0.00008; TOPMed 0.00012.

Submission:

Labcorp Genetics (formerly Invitae), Labcorp
Classification: Uncertain significance. Last evaluated: 2025-12-10. Review status: criteria provided, single submitter. Criteria: Invitae Variant Classification Sherloc (09022015). Collection method: clinical testing. Allele origin: germline.
Comment: This sequence change affects codon 616 of the DUOX2 mRNA. It is a 'silent' change, meaning that it does not change the encoded amino acid sequence of the DUOX2 protein. This variant is present in population databases (rs147838135, gnomAD 0.01%). This variant has not been reported in the literature in individuals affected with DUOX2-related conditions. ClinVar contains an entry for this variant (Variation ID: 1521092). Algorithms developed to predict the effect of sequence changes on RNA splicing suggest that this variant may disrupt the consensus splice site. In summary, the available evidence is currently insufficient to determine the role of this variant in disease. Therefore, it has been classified as a Variant of Uncertain Significance.